The following is an entry in ClinVar:

NM_181507.2(HPS5):c.2618C>G (p.Ser873Cys)

Gene: HPS5 (HPS5 biogenesis of lysosomal organelles complex 2 subunit 2; minus strand). Cytogenetic location: 11p15.1.
Variant type: single nucleotide variant.
Coding change: c.2618C>G on transcript NM_181507.2 (MANE Select); coding-DNA position 2618, C replaced by G.
Protein change: p.Ser873Cys; replaces serine 873 with cysteine.
Molecular consequence: missense variant.
Genome position (GRCh38, 1-based): chr11:18,287,634, G>C on the plus strand (C>G on the coding strand, the complement: HPS5 is on the minus strand). VCF-style: chr11-18287634-G-C. GRCh37 (hg19) VCF-style: chr11-18309181-G-C.
Other names: p.Ser873Cys; c.2276C>G, p.Ser759Cys (NM_007216.4, NM_181508.2); short protein forms S759C, S873C.
Identifiers: ClinVar variation 1040880 (VCV001040880.9), dbSNP rs1296919459, ClinGen allele CA379519173.

ClinVar aggregate classification (germline): Uncertain significance. Review status: criteria provided, multiple submitters, no conflicts (2 of 4 stars). 2 submissions from 2 submitters: Uncertain significance (2). Last evaluated 2024-12-11.

Allele frequency attached by ClinVar (database versions not stated): gnomAD 0.00001; TOPMed 0.00001.
gnomAD v4.1: 1 of 1,614,044 alleles (0.000062%); highest among the groups gnomAD compares: Non-Finnish European, 0.000085%; no homozygotes.

Submissions (2):

Mayo Clinic Laboratories, Mayo Clinic
Classification: Uncertain significance. Last evaluated: 2024-12-11. Review status: criteria provided, single submitter. Criteria: ACMG Guidelines, 2015. Collection method: clinical testing. Allele origin: germline. Observed: 1 variant allele.

Labcorp Genetics (formerly Invitae), Labcorp
Classification: Uncertain significance. Last evaluated: 2022-08-15. Review status: criteria provided, single submitter. Criteria: Invitae Variant Classification Sherloc (09022015). Collection method: clinical testing. Allele origin: germline.
Comment: This sequence change replaces serine, which is neutral and polar, with cysteine, which is neutral and slightly polar, at codon 873 of the HPS5 protein (p.Ser873Cys). This variant is present in population databases (no rsID available, gnomAD 0.007%). This variant has not been reported in the literature in individuals affected with HPS5-related conditions. ClinVar contains an entry for this variant (Variation ID: 1040880). Algorithms developed to predict the effect of missense changes on protein structure and function are either unavailable or do not agree on the potential impact of this missense change (SIFT: "Deleterious"; PolyPhen-2: "Probably Damaging"; Align-GVGD: "Class C0"). In summary, the available evidence is currently insufficient to determine the role of this variant in disease. Therefore, it has been classified as a Variant of Uncertain Significance.